The following is an entry in ClinVar:

NM_000260.4(MYO7A):c.6475A>G (p.Asn2159Asp)

Gene: MYO7A (myosin VIIA; plus strand). Cytogenetic location: 11q13.5.
Variant type: single nucleotide variant.
Coding change: c.6475A>G on transcript NM_000260.4 (MANE Select); coding-DNA position 6475, A replaced by G.
Protein change: p.Asn2159Asp; replaces asparagine 2159 with aspartic acid.
Molecular consequence: missense variant.
Genome position (GRCh38, 1-based): chr11:77,213,896, A>G. VCF-style: chr11-77213896-A-G. GRCh37 (hg19) VCF-style: chr11-76924941-A-G.
Other names: c.6355A>G, p.Asn2119Asp (NM_001127180.2); c.6328A>G, p.Asn2110Asp (NM_001369365.1); short protein forms N2159D, N2110D, N2119D.
Identifiers: ClinVar variation 505529 (VCV000505529.6), dbSNP rs1555111106, ClinGen allele CA381937906.

ClinVar aggregate classification (germline): Uncertain significance. Review status: criteria provided, multiple submitters, no conflicts (2 of 4 stars). 3 submissions from 3 submitters: Uncertain significance (2). 1 of the submissions does not count toward it. Last evaluated 2026-06-09.

Conditions:
Inborn genetic diseases. Identifiers: MedGen C0950123, MeSH D030342.
Usher syndrome type 1B (USH1B). Also called: Usher syndrome type IB. Identifiers: MedGen C1848638, MONDO:0700087.

Allele frequency attached by ClinVar (database versions not stated): gnomAD exomes below 0.00001; TOPMed 0.00001.
gnomAD v4.1: 1 of 1,614,016 alleles (0.000062%); highest among the groups gnomAD compares: South Asian, 0.0011%; no homozygotes.

Submissions (3):

Ambry Genetics
Classification: Uncertain significance for Inborn genetic diseases. Last evaluated: 2026-06-09. Review status: criteria provided, single submitter. Criteria: Ambry Variant Classification Scheme 2023. Collection method: clinical testing. Allele origin: germline.

Laboratory for Molecular Medicine, Mass General Brigham Personalized Medicine
Classification: Uncertain significance. Last evaluated: 2016-12-13. Review status: criteria provided, single submitter. Criteria: LMM Criteria. Collection method: clinical testing. Allele origin: germline. Observed: 1 variant allele.
Comment: The p.Asn2159Asp variant in MYO7A variant has not been previously reported in in dividuals with hearing loss or Usher syndrome. Data from large population studie s are insufficient to assess the frequency of this variant in the general popula tion. Computational prediction tools and conservation analyses suggest that thi s variant may impact the protein, though this information is not predictive enou gh to determine pathogenicity. In summary, the clinical significance of the p.As n2159Asp variant is uncertain.

Natera, Inc.
Classification: Uncertain significance for Usher syndrome type 1B. Last evaluated: 2021-06-28. Review status: no assertion criteria provided. Collection method: clinical testing. Allele origin: germline. Not counted in ClinVar's aggregate classification.